The following is an entry in ClinVar:

NM_005633.4(SOS1):c.2739G>A (p.Lys913=)

Gene: SOS1 (SOS Ras/Rac guanine nucleotide exchange factor 1; minus strand). Cytogenetic location: 2p22.1.
Variant type: single nucleotide variant.
Coding change: c.2739G>A on transcript NM_005633.4 (MANE Select); coding-DNA position 2739, G replaced by A.
Protein change: p.Lys913=; no amino-acid change (lysine 913 retained).
Molecular consequence: synonymous variant.
Genome position (GRCh38, 1-based): chr2:39,006,464, C>T on the plus strand (G>A on the coding strand, the complement: SOS1 is on the minus strand). VCF-style: chr2-39006464-C-T. GRCh37 (hg19) VCF-style: chr2-39233605-C-T.
Other names: c.2718G>A, p.Lys906= (NM_001382394.1); c.2739G>A, p.Lys913= (NM_001382395.1).
Identifiers: ClinVar variation 381957 (VCV000381957.11), dbSNP rs997339872, ClinGen allele CA16604190.

ClinVar aggregate classification (germline): Likely benign. Review status: criteria provided, multiple submitters, no conflicts (2 of 4 stars). 5 submissions from 4 submitters: Likely benign (5). Last evaluated 2025-11-17.

Conditions:
Cardiovascular phenotype. Identifiers: MedGen CN230736.
RASopathy. Also called: rasopathies; Noonan spectrum disorder. Identifiers: Orphanet 536391, MedGen C5555857, MONDO:0021060.
Fibromatosis, gingival, 1 (GINGF1). Identifiers: Orphanet 2024, MedGen C4551558, MONDO:0007609, OMIM 135300.
Noonan syndrome 4 (NS4). Also called: SOS1-Related Noonan Syndrome; NOONAN SYNDROME WITH PIGMENTED VILLONODULAR SYNOVITIS. Identifiers: Orphanet 648, MedGen C1853120, MONDO:0012547, OMIM 610733.

Allele frequency attached by ClinVar (database versions not stated): gnomAD 0.00001; gnomAD exomes 0.00001; TOPMed 0.00002.
gnomAD v4.1: 15 of 1,609,198 alleles (0.00093%); highest among the groups gnomAD compares: Admixed American, 0.0017%; no homozygotes.

Submissions (5):

Labcorp Genetics (formerly Invitae), Labcorp
Classification: Likely benign for RASopathy. Last evaluated: 2025-11-17. Review status: criteria provided, single submitter. Criteria: Invitae Variant Classification Sherloc (09022015). Collection method: clinical testing. Allele origin: germline.

Ambry Genetics
Classification: Likely benign for Cardiovascular phenotype. Last evaluated: 2023-12-29. Review status: criteria provided, single submitter. Criteria: Ambry Variant Classification Scheme 2023. Collection method: clinical testing. Allele origin: germline.

GeneDx
Classification: Likely benign. Last evaluated: 2015-11-19. Review status: criteria provided, single submitter. Criteria: GeneDx Variant Classification (06012015). Collection method: clinical testing. Allele origin: germline. Affected: yes.
Comment: This variant is considered likely benign or benign based on one or more of the following criteria: it is a conservative change, it occurs at a poorly conserved position in the protein, it is predicted to be benign by multiple in silico algorithms, and/or has population frequency not consistent with disease.

Genome-Nilou Lab
Classification: Likely benign for Noonan syndrome 4. Review status: criteria provided, single submitter. Criteria: ACMG Guidelines, 2015. Collection method: clinical testing. Allele origin: germline.

Genome-Nilou Lab
Classification: Likely benign for Fibromatosis, gingival, 1. Review status: criteria provided, single submitter. Criteria: ACMG Guidelines, 2015. Collection method: clinical testing. Allele origin: germline.